The following is an entry in ClinVar:

ClinVar aggregate classification (germline): Uncertain significance (1 of 4 stars; one submission).

Conditions:
Infantile neuroaxonal dystrophy (NBIA2A). Also called: NEURODEGENERATION WITH BRAIN IRON ACCUMULATION 2A; SEITELBERGER DISEASE; Infantile neuroaxonal dystrophy 1. Identifiers: Orphanet 35069, MedGen C0270724, MONDO:0024457, OMIM 256600.

Submission:

Labcorp Genetics (formerly Invitae), Labcorp
Classification: Uncertain significance for Infantile neuroaxonal dystrophy. Last evaluated: 2019-05-20. Review status: criteria provided, single submitter. Criteria: Invitae Variant Classification Sherloc (09022015). Collection method: clinical testing. Allele origin: germline.
Comment: In summary, the available evidence is currently insufficient to determine the role of this variant in disease. Therefore, it has been classified as a Variant of Uncertain Significance. Algorithms developed to predict the effect of missense changes on protein structure and function (SIFT, PolyPhen-2, Align-GVGD) all suggest that this variant is likely to be disruptive, but these predictions have not been confirmed by published functional studies and their clinical significance is uncertain. This variant has not been reported in the literature in individuals with PLA2G6-related conditions. This variant is not present in population databases (ExAC no frequency). This sequence change replaces leucine with proline at codon 483 of the PLA2G6 protein (p.Leu483Pro). The leucine residue is highly conserved and there is a moderate physicochemical difference between leucine and proline.

NM_003560.4(PLA2G6):c.1448T>C (p.Leu483Pro)

Gene: PLA2G6 (phospholipase A2 group VI; minus strand). Cytogenetic location: 22q13.1.
Variant type: single nucleotide variant.
Coding change: c.1448T>C on transcript NM_003560.4 (MANE Select); coding-DNA position 1448, T replaced by C.
Protein change: p.Leu483Pro; replaces leucine 483 with proline.
Molecular consequence: missense variant.
Genome position (GRCh38, 1-based): chr22:38,123,238, A>G on the plus strand (T>C on the coding strand, the complement: PLA2G6 is on the minus strand). VCF-style: chr22-38123238-A-G. GRCh37 (hg19) VCF-style: chr22-38519245-A-G.
Other names: c.1286T>C, p.Leu429Pro (NM_001004426.3, NM_001199562.3, NM_001349865.2 and 1 more transcripts); c.1448T>C, p.Leu483Pro (NM_001349864.2); c.914T>C, p.Leu305Pro (NM_001349867.2); c.770T>C, p.Leu257Pro (NM_001349868.2); c.752T>C, p.Leu251Pro (NM_001349869.2); short protein forms L251P, L305P, L257P, L429P, L483P.
Identifiers: ClinVar variation 864827 (VCV000864827.9), dbSNP rs2087628215, ClinGen allele CA411528153.